The following is an entry in ClinVar:

NM_003628.6(PKP4):c.890C>G (p.Ser297Cys)

Gene: PKP4 (plakophilin 4; plus strand). Cytogenetic location: 2q24.1.
Variant type: single nucleotide variant.
Coding change: c.890C>G on transcript NM_003628.6 (MANE Select); coding-DNA position 890, C replaced by G.
Protein change: p.Ser297Cys; replaces serine 297 with cysteine.
Molecular consequence: missense variant. On other transcripts: 5 prime UTR variant (1).
Genome position (GRCh38, 1-based): chr2:158,625,164, C>G. VCF-style: chr2-158625164-C-G. GRCh37 (hg19) VCF-style: chr2-159481676-C-G.
Other names: c.890C>G, p.Ser297Cys (NM_001005476.4, NM_001304969.3, NM_001304971.2 and 6 more transcripts); c.-137C>G (NM_001304970.3); c.884C>G, p.Ser295Cys (NM_001377222.1, NM_001377223.1, NM_001377224.1); short protein forms S295C, S297C.
Identifiers: ClinVar variation 3933352 (VCV003933352.1).

ClinVar aggregate classification (germline): Uncertain significance (1 of 4 stars; one submission).

gnomAD v4.1: 9 of 1,614,068 alleles (0.00056%); highest among the groups gnomAD compares: African/African-American, 0.008%; no homozygotes.

Submission:

Ambry Genetics
Classification: Uncertain significance. Last evaluated: 2025-06-07. Review status: criteria provided, single submitter. Criteria: Ambry Variant Classification Scheme 2023. Collection method: clinical testing. Allele origin: germline.
Comment: The p.S297C variant (also known as c.890C>G), located in coding exon 6 of the PKP4 gene, results from a C to G substitution at nucleotide position 890. The serine at codon 297 is replaced by cysteine, an amino acid with dissimilar properties. This amino acid position is conserved. In addition, this alteration is predicted to be tolerated by in silico analysis. Based on the available evidence, the clinical significance of this variant remains unclear.